The following is an entry in ClinVar:

NM_152672.6(SLC51A):c.7C>T (p.Pro3Ser)

Gene: SLC51A (solute carrier family 51 member A; plus strand). Cytogenetic location: 3q29.
Variant type: single nucleotide variant.
Coding change: c.7C>T on transcript NM_152672.6 (MANE Select); coding-DNA position 7, C replaced by T.
Protein change: p.Pro3Ser; replaces proline 3 with serine.
Molecular consequence: missense variant.
Genome position (GRCh38, 1-based): chr3:196,216,719, C>T. VCF-style: chr3-196216719-C-T. GRCh37 (hg19) VCF-style: chr3-195943590-C-T.
Other names: short protein forms P3S.
Identifiers: ClinVar variation 3034741 (VCV003034741.2), dbSNP rs201745104, ClinGen allele CA2778852.

ClinVar aggregate classification (germline): Likely benign (0 of 4 stars; one submission).

Conditions:
SLC51A-related disorder. Also called: SLC51A-related condition.

Allele frequency attached by ClinVar (database versions not stated): 1000 Genomes Project 0.00020; 1000 Genomes Project 30x 0.00031; gnomAD 0.00031; TOPMed 0.00044; ExAC 0.00113.
gnomAD v4.1: 515 of 1,574,370 alleles (0.033%); highest among the groups gnomAD compares: Middle Eastern, 0.3%; 1 homozygote.

Submission:

PreventionGenetics, part of Exact Sciences
Classification: Likely benign for SLC51A-related condition. Last evaluated: 2022-01-27. Review status: no assertion criteria provided. Collection method: clinical testing. Allele origin: germline.
Comment: This variant is classified as likely benign based on ACMG/AMP sequence variant interpretation guidelines (Richards et al. 2015 PMID: 25741868, with internal and published modifications).